The following is an entry in ClinVar:

ClinVar aggregate classification (germline): Pathogenic. Review status: reviewed by expert panel (3 of 4 stars). 7 submissions from 7 submitters: Pathogenic (1). 6 of the submissions do not count toward it. Last evaluated 2016-09-08.

Conditions:
BRCA2-related disorder. Also called: BRCA2-related condition; BRCA2-related disorders. Identifiers: MedGen CN239275.
Hereditary cancer-predisposing syndrome. Also called: Tumor predisposition; Neoplastic Syndromes, Hereditary; Hereditary neoplastic syndrome; Hereditary Cancer Syndrome. Identifiers: Orphanet 140162, MedGen C0027672, MeSH D009386, MONDO:0015356.
Hereditary breast ovarian cancer syndrome. Also called: Hereditary breast and ovarian cancer; Hereditary breast and ovarian cancer syndrome (HBOC); Hereditary breast and/or ovarian cancer syndrome; Breast and ovarian cancer; Hereditary breast and ovarian cancer syndrome; BRCA1- and BRCA2-Associated Hereditary Breast and Ovarian Cancer. Identifiers: Orphanet 145, MedGen C0677776, MeSH D061325, MONDO:0003582. Disease mechanism: loss of function.
Breast-ovarian cancer, familial, susceptibility to, 2 (BROVCA2). Also called: BRCA2 Hereditary Breast and Ovarian Cancer. Identifiers: Orphanet 145, MedGen C2675520, MONDO:0012933, OMIM 612555. Disease mechanism: loss of function.

Submissions (7):

Evidence-based Network for the Interpretation of Germline Mutant Alleles (ENIGMA)
Classification: Pathogenic for Breast-ovarian cancer, familial, susceptibility to, 2. Last evaluated: 2016-09-08. Review status: reviewed by expert panel. Criteria: ENIGMA BRCA1/2 Classification Criteria (2015). Collection method: curation. Allele origin: germline.
Comment: Variant allele predicted to encode a truncated non-functional protein.

Labcorp Genetics (formerly Invitae), Labcorp
Classification: Pathogenic for Hereditary breast ovarian cancer syndrome. Last evaluated: 2025-09-22. Review status: criteria provided, single submitter. Criteria: Invitae Variant Classification Sherloc (09022015). Collection method: clinical testing. Allele origin: germline. Not counted in ClinVar's aggregate classification.
Comment: This sequence change creates a premature translational stop signal (p.Glu3175*) in the BRCA2 gene. It is expected to result in an absent or disrupted protein product. Loss-of-function variants in BRCA2 are known to be pathogenic (PMID: 20104584). This variant is not present in population databases (gnomAD no frequency). This premature translational stop signal has been observed in individual(s) with BRCA2-related conditions (PMID: 21520333). ClinVar contains an entry for this variant (Variation ID: 38246). Algorithms developed to predict the effect of sequence changes on RNA splicing suggest that this variant may disrupt the consensus splice site. For these reasons, this variant has been classified as Pathogenic.

Women's Health and Genetics/Laboratory Corporation of America, LabCorp
Classification: Pathogenic for Hereditary breast ovarian cancer syndrome. Last evaluated: 2023-10-19. Review status: criteria provided, single submitter. Criteria: LabCorp Variant Classification Summary - May 2015. Collection method: clinical testing. Allele origin: germline. Not counted in ClinVar's aggregate classification.
Comment: Variant summary: BRCA2 c.9523G>T (p.Glu3175X) results in a premature termination codon, predicted to cause a truncation of the encoded protein or absence of the protein due to nonsense mediated decay, which are commonly known mechanisms for disease. Variants downstream of this position have been classified as pathogenic by our laboratory. The variant was absent in 251358 control chromosomes (gnomAD). c.9523G>T has been reported in the literature in individuals affected with breast and-or ovarian cancer (e.g. Heramb_2018, Olafsdottir_2020). To our knowledge, no experimental evidence demonstrating an impact on protein function has been reported. Four submitters, including an expert panel (ENIGMA), have cited clinical-significance assessments for this variant to ClinVar after 2014. All submitters classified the variant as pathogenic. Based on the evidence outlined above, the variant was classified as pathogenic.

Ambry Genetics
Classification: Pathogenic for Hereditary cancer-predisposing syndrome. Last evaluated: 2020-11-25. Review status: criteria provided, single submitter. Criteria: Ambry Variant Classification Scheme 2023. Collection method: clinical testing. Allele origin: germline. Not counted in ClinVar's aggregate classification.
Comment: The p.E3175* variant (also known as c.9523G>T), located in coding exon 25 of the BRCA2 gene, results from a G to T substitution at nucleotide position 9523. This changes the amino acid from a glutamic acid to a stop codon within coding exon 25. In a large, clinic-based BRCA1/2 testing cohort in Norway, this variant was detected in 1 family (Heramb C et al. Hered Cancer Clin Pract, 2018 Jan;16:3). This variant was not reported in population-based cohorts in the Genome Aggregation Database (gnomAD). In addition to the information presented in the literature, this alteration is expected to result in loss of function by premature protein truncation or nonsense-mediated mRNA decay. As such, this alteration is interpreted as a disease-causing mutation.

Department of Medical Genetics, Oslo University Hospital
Classification: Pathogenic for Breast-ovarian cancer, familial, susceptibility to, 2. Last evaluated: 2015-07-01. Review status: criteria provided, single submitter. Criteria: ACMG Guidelines, 2015. Collection method: clinical testing. Allele origin: germline. Affected: yes. Observed: 3 variant alleles. Not counted in ClinVar's aggregate classification.

Research Molecular Genetics Laboratory, Women's College Hospital, University of Toronto
Classification: Pathogenic for Hereditary breast ovarian cancer syndrome. Last evaluated: 2014-01-31. Review status: no assertion criteria provided. Collection method: research. Allele origin: germline. Affected: yes. Study: The Canadian Open Genetics Repository (COGR). Not counted in ClinVar's aggregate classification.

Sharing Clinical Reports Project (SCRP)
Classification: Pathogenic for Breast-ovarian cancer, familial 2. Last evaluated: 2011-02-18. Review status: no assertion criteria provided. Collection method: clinical testing. Allele origin: germline. Not counted in ClinVar's aggregate classification.

Literature cited by the submitters: PubMed 20104584 (cited by Labcorp Genetics (formerly Invitae), Labcorp); PubMed 21520333 (cited by Labcorp Genetics (formerly Invitae), Labcorp); PubMed 29339979 (cited by Women's Health and Genetics/Laboratory Corporation of America, LabCorp and Ambry Genetics); PubMed 32939053 (cited by Women's Health and Genetics/Laboratory Corporation of America, LabCorp).

NM_000059.4(BRCA2):c.9523G>T (p.Glu3175Ter)

Gene: BRCA2 (BRCA2 DNA repair associated; plus strand). Cytogenetic location: 13q13.1.
Variant type: single nucleotide variant.
Coding change: c.9523G>T on transcript NM_000059.4 (MANE Select); coding-DNA position 9523, G replaced by T.
Protein change: p.Glu3175Ter; replaces glutamic acid 3175 with a stop codon.
Molecular consequence: nonsense.
Genome position (GRCh38, 1-based): chr13:32,396,919, G>T. VCF-style: chr13-32396919-G-T. GRCh37 (hg19) VCF-style: chr13-32971056-G-T.
Other names: 9751G>T; short protein forms E3175*.
Identifiers: ClinVar variation 38246 (VCV000038246.18), dbSNP rs397507430, ClinGen allele CA026199.
Genomic context (GRCh38, chr13:32,396,919, plus strand): 5'-TTGCAATTTATAAAGCAGCTTTTCCACTTATTTTCTTAGAATATTGACATACTTTGCAAT[G>T]AAGCAGAAAACAAGCTTATGCATATACTGCATGCAAATGATCCCAAGTGGTCCACCCCAA-3'